The following is an entry in ClinVar:

NM_007294.4(BRCA1):c.3852C>A (p.His1284Gln)

Genes: BRCA1 (BRCA1 DNA repair associated; minus strand), LOC126862571 (BRD4-independent group 4 enhancer GRCh37_chr17:41243136-41244335; plus strand). Cytogenetic location: 17q21.31.
Variant type: single nucleotide variant.
Coding change: c.3852C>A on transcript NM_007294.4 (MANE Select); coding-DNA position 3852, C replaced by A.
Protein change: p.His1284Gln; replaces histidine 1284 with glutamine.
Molecular consequence: missense variant. On other transcripts: intron variant (135).
Genome position (GRCh38, 1-based): chr17:43,091,679, G>T on the plus strand (C>A on the coding strand, the complement: BRCA1 is on the minus strand). VCF-style: chr17-43091679-G-T. GRCh37 (hg19) VCF-style: chr17-41243696-G-T.
Other names: c.3639C>A, p.His1213Gln (NM_001407571.1, NM_001407853.1, NM_001407894.1 and 9 more transcripts); c.3852C>A, p.His1284Gln (NM_001407581.1, NM_001407582.1, NM_001407583.1 and 30 more transcripts); c.3849C>A, p.His1283Gln (NM_001407587.1, NM_001407590.1, NM_001407591.1 and 22 more transcripts); c.3843C>A, p.His1281Gln (NM_001407646.1, NM_001407647.1); c.3729C>A, p.His1243Gln (NM_001407648.1, NM_001407664.1, NM_001407665.1 and 19 more transcripts); c.3726C>A, p.His1242Gln (NM_001407649.1, NM_001407670.1, NM_001407671.1 and 11 more transcripts); c.3774C>A, p.His1258Gln (NM_001407653.1, NM_001407654.1, NM_001407655.1 and 4 more transcripts); c.3771C>A, p.His1257Gln (NM_001407659.1, NM_001407660.1, NM_001407661.1 and 1 more transcripts); and 42 more; short protein forms H1237Q, H1284Q, H1116Q, H1195Q, H1196Q, H1216Q, H1281Q, H416Q.
Identifiers: ClinVar variation 864100 (VCV000864100.25), dbSNP rs776070899, ClinGen allele CA10594260.

ClinVar aggregate classification (germline): Conflicting classifications of pathogenicity. Review status: criteria provided, conflicting classifications (1 of 4 stars). 7 submissions from 7 submitters: Uncertain significance (5); Likely benign (1). 1 of the submissions does not count toward it. Last evaluated 2026-02-03.

Conditions:
Hereditary breast ovarian cancer syndrome. Also called: Hereditary breast and/or ovarian cancer syndrome; BRCA1- and BRCA2-Associated Hereditary Breast and Ovarian Cancer; Hereditary breast and ovarian cancer syndrome; Hereditary breast and ovarian cancer; Hereditary breast and ovarian cancer syndrome (HBOC); Breast and ovarian cancer. Identifiers: Orphanet 145, MedGen C0677776, MeSH D061325, MONDO:0003582. Disease mechanism: loss of function.
Breast-ovarian cancer, familial, susceptibility to, 1 (BROVCA1). Also called: BRCA1 Hereditary Breast and Ovarian Cancer; OVARIAN CANCER, SUSCEPTIBILITY TO. Identifiers: Orphanet 145, MedGen C2676676, MONDO:0011450, OMIM 604370. Disease mechanism: loss of function.
Breast and/or ovarian cancer. Identifiers: MedGen CN221562.
Hereditary cancer-predisposing syndrome. Also called: Tumor predisposition; Hereditary Cancer Syndrome; Hereditary neoplastic syndrome; Neoplastic Syndromes, Hereditary. Identifiers: Orphanet 140162, MedGen C0027672, MeSH D009386, MONDO:0015356.

gnomAD v4.1: 1 of 1,614,216 alleles (0.000062%); no homozygotes.

Submissions (7):

Women's Health and Genetics/Laboratory Corporation of America, LabCorp
Classification: Uncertain significance. Last evaluated: 2026-02-03. Review status: criteria provided, single submitter. Criteria: LabCorp Variant Classification Summary - May 2015. Collection method: clinical testing. Allele origin: germline.

Color Diagnostics, LLC DBA Color Health
Classification: Uncertain significance for Hereditary cancer-predisposing syndrome. Last evaluated: 2025-03-24. Review status: criteria provided, single submitter. Criteria: ACMG Guidelines, 2015. Collection method: clinical testing. Allele origin: germline.
Comment: This missense variant replaces histidine with glutamine at codon 1284 of the BRCA1 protein. Computational prediction is inconclusive regarding the impact of this variant on protein structure and function. To our knowledge, functional studies have not been reported for this variant. This variant has not been reported in individuals affected with BRCA1-related disorders in the literature. This variant has not been identified in the general population by the Genome Aggregation Database (gnomAD). The available evidence is insufficient to determine the role of this variant in disease conclusively. Therefore, this variant is classified as a Variant of Uncertain Significance.

Labcorp Genetics (formerly Invitae), Labcorp
Classification: Uncertain significance for Hereditary breast ovarian cancer syndrome. Last evaluated: 2024-10-02. Review status: criteria provided, single submitter. Criteria: Invitae Variant Classification Sherloc (09022015). Collection method: clinical testing. Allele origin: germline.
Comment: This sequence change replaces histidine, which is basic and polar, with glutamine, which is neutral and polar, at codon 1284 of the BRCA1 protein (p.His1284Gln). This variant is not present in population databases (gnomAD no frequency). This variant has not been reported in the literature in individuals affected with BRCA1-related conditions. ClinVar contains an entry for this variant (Variation ID: 864100). Invitae Evidence Modeling of protein sequence and biophysical properties (such as structural, functional, and spatial information, amino acid conservation, physicochemical variation, residue mobility, and thermodynamic stability) indicates that this missense variant is not expected to disrupt BRCA1 protein function with a negative predictive value of 95%. In summary, the available evidence is currently insufficient to determine the role of this variant in disease. Therefore, it has been classified as a Variant of Uncertain Significance.

Ambry Genetics
Classification: Uncertain significance for Hereditary cancer-predisposing syndrome. Last evaluated: 2024-02-26. Review status: criteria provided, single submitter. Criteria: Ambry Variant Classification Scheme 2023. Collection method: clinical testing. Allele origin: germline.
Comment: The p.H1284Q variant (also known as c.3852C>A), located in coding exon 9 of the BRCA1 gene, results from a C to A substitution at nucleotide position 3852. The histidine at codon 1284 is replaced by glutamine, an amino acid with highly similar properties. This amino acid position is not well conserved in available vertebrate species. In addition, the in silico prediction for this alteration is inconclusive. Based on the available evidence, the clinical significance of this alteration remains unclear.

University of Washington Department of Laboratory Medicine, University of Washington
Classification: Likely benign for Hereditary cancer-predisposing syndrome. Last evaluated: 2023-03-23. Review status: criteria provided, single submitter. Criteria: Dines et al. (Genet Med. 2020). Collection method: curation. Allele origin: germline.
Comment: Missense variant in a coldspot region where missense variants are very unlikely to be pathogenic (PMID:31911673).

BRCA1 coldspot (exon 11 using historical exon numbering). Reclassification based on statistical prior probability

CHEO Genetics Diagnostic Laboratory, Children's Hospital of Eastern Ontario
Classification: Uncertain significance for Breast and/or ovarian cancer. Last evaluated: 2021-04-19. Review status: criteria provided, single submitter. Criteria: ACMG Guidelines, 2015. Collection method: clinical testing. Allele origin: germline.

KCCC/NGS Laboratory, Kuwait Cancer Control Center
Classification: Uncertain significance for Breast-ovarian cancer, familial, susceptibility to, 1. Last evaluated: 2023-05-05. Review status: no assertion criteria provided. Collection method: clinical testing. Allele origin: germline. Affected: yes. Not counted in ClinVar's aggregate classification.
Comment: We did NOT detect pathogenic or likely pathogenic variants in this specimen. We detected a variant of uncertain significance in the BRCA1 gene (p.His1284Gln).This sequence change replaces histidine, which is basic and polar, with glutamine, which is neutral and polar, at codon 1284 of the BRCA1 protein (p.His1284Gln).This amino acid not highly conservative (PhyloP=1.09) . In-silico predictions show benign computational verdict based on 15 benign predictions from PolyPhen, BayesDel_addAF, DEOGEN2,FATHMM-MKL, EIGEN,LRT, PROVEAN, PrimateAI, LIST-S2, MCAP, MVP, MutPred , MutationAssessor, PrimateAI and SIFT . This variant is not present in population databases (gnomAD no frequency). This variant has not been reported in the literature in individuals affected with BRCA1-related conditions. ClinVar contains an entry for this variant (Variation ID: 864100). . In summary, the available evidence is currently insufficient to determine the role of this variant in disease. Therefore, it has been classified as a Variant of Uncertain Significance.

Literature cited by the submitters: PubMed 20104584 (cited by KCCC/NGS Laboratory, Kuwait Cancer Control Center).